The following is an entry in ClinVar:

NM_001127198.5(TMC6):c.1162del (p.Asp388fs)

Gene: TMC6 (transmembrane channel like 6; minus strand). Cytogenetic location: 17q25.3.
Variant type: Deletion.
Coding change: c.1162del on transcript NM_001127198.5 (MANE Select); coding-DNA position 1162, one base deleted (G; older notation c.1162delG).
Protein change: p.Asp388fs; shifts the reading frame from aspartic acid 388.
Molecular consequence: frameshift variant. On other transcripts: non-coding transcript variant (4).
Genome position (GRCh38, 1-based): chr17:78,122,670, C deleted on the plus strand (G on the coding strand, the reverse complement: TMC6 is on the minus strand); the first of 3 consecutive C bases (chr17:78,122,670-78,122,672); deleting any one gives the same sequence. VCF-style (leftmost placement, unchanged base first): chr17-78122669-TC-T. GRCh37 (hg19) VCF-style: chr17-76118750-TC-T.
Other names: c.1162del, p.Asp388fs (NM_001374596.1, NM_001375353.1, NM_001375354.1 and 4 more transcripts); short protein forms D388fs.
Identifiers: ClinVar variation 3013473 (VCV003013473.3), dbSNP rs776860184, ClinGen allele CA8795850.

ClinVar aggregate classification (germline): Pathogenic (1 of 4 stars; one submission).

Conditions:
Epidermodysplasia verruciformis. Identifiers: Orphanet 302, MedGen C0014522, MONDO:0009176.

Submission:

Labcorp Genetics (formerly Invitae), Labcorp
Classification: Pathogenic for Epidermodysplasia verruciformis. Last evaluated: 2023-11-12. Review status: criteria provided, single submitter. Criteria: Invitae Variant Classification Sherloc (09022015). Collection method: clinical testing. Allele origin: germline.
Comment: This sequence change creates a premature translational stop signal (p.Asp388Thrfs*4) in the TMC6 gene. It is expected to result in an absent or disrupted protein product. Loss-of-function variants in TMC6 are known to be pathogenic (PMID: 15042430, 17139267). This variant is present in population databases (rs776860184, gnomAD 0.02%). This variant has not been reported in the literature in individuals affected with TMC6-related conditions. For these reasons, this variant has been classified as Pathogenic.

Literature cited by the submitters: PubMed 15042430; PubMed 17139267.